The following is an entry in ClinVar:

ClinVar aggregate classification (germline): Likely pathogenic (1 of 4 stars; one submission).

Conditions:
Infantile liver failure syndrome 3. Identifiers: MedGen C5231437, MONDO:0032844, OMIM 618641.

Submission:

Juno Genomics, Hangzhou Juno Genomics, Inc
Classification: Likely pathogenic for Infantile liver failure syndrome 3. Review status: criteria provided, single submitter. Criteria: ACMG Guidelines, 2015. Collection method: clinical testing. Allele origin: germline.
Comment: Null variant in a gene where loss of function (LOF) is a known mechanism of disease.;Absent from controls (or at extremely low frequency if recessive) in Genome Aggregation Database.

NM_021930.6(RINT1):c.1455_1459del (p.Leu486fs)

Gene: RINT1 (RAD50 interactor 1; plus strand). Cytogenetic location: 7q22.3.
Variant type: Microsatellite.
Coding change: c.1455_1459del on transcript NM_021930.6 (MANE Select); coding-DNA positions 1455 to 1459, 5 bases deleted (ACTCT; older notation c.1455_1459delACTCT).
Protein change: p.Leu486fs; shifts the reading frame from leucine 486.
Molecular consequence: frameshift variant. On other transcripts: non-coding transcript variant (1).
Genome position (GRCh38, 1-based): chr7:105,551,691-105,551,695, ACTCT deleted; deleting any 5 consecutive bases within chr7:105,551,686-105,551,695 gives the same sequence; the c. name uses the placement nearest the transcript's 3' end. VCF-style (leftmost placement, unchanged base first): chr7-105551685-GACTCT-G. GRCh37 (hg19) VCF-style: chr7-105192132-GACTCT-G.
Other names: c.1221_1225del, p.Leu408fs (NM_001346599.2); c.432_436del, p.Leu145fs (NM_001346600.2, NM_001346603.2); c.531_535del, p.Leu178fs (NM_001346601.2); short protein forms L178fs, L408fs, L486fs, L145fs.
Identifiers: ClinVar variation 5007127 (VCV005007127.2).